The following is an entry in ClinVar:

ClinVar aggregate classification (germline): Uncertain significance. Review status: criteria provided, multiple submitters, no conflicts (2 of 4 stars). 2 submissions from 2 submitters: Uncertain significance (2). Last evaluated 2025-03-10.

Conditions:
DLC1-related disorder. Also called: DLC1-related condition.

Allele frequency attached by ClinVar (database versions not stated): ExAC 0.00001.
gnomAD v4.1: 3 of 1,614,136 alleles (0.00019%); highest among the groups gnomAD compares: Non-Finnish European, 0.00025%; no homozygotes.

Submissions (2):

Ambry Genetics
Classification: Uncertain significance. Last evaluated: 2025-03-10. Review status: criteria provided, single submitter. Criteria: Ambry Variant Classification Scheme 2023. Collection method: clinical testing. Allele origin: germline.

PreventionGenetics, part of Exact Sciences
Classification: Uncertain significance for DLC1-related condition. Last evaluated: 2023-03-12. Review status: criteria provided, single submitter. Criteria: ACMG Guidelines, 2015. Collection method: clinical testing. Allele origin: germline.
Comment: The DLC1 c.4124C>T variant is predicted to result in the amino acid substitution p.Pro1375Leu. To our knowledge, this variant has not been reported in the literature. This variant is reported in 0.0018% of alleles in individuals of European (Non-Finnish) descent in gnomAD. At this time, the clinical significance of this variant is uncertain due to the absence of conclusive functional and genetic evidence.

NM_182643.3(DLC1):c.4124C>T (p.Pro1375Leu)

Gene: DLC1 (DLC1 Rho GTPase activating protein; minus strand). Cytogenetic location: 8p22.
Variant type: single nucleotide variant.
Coding change: c.4124C>T on transcript NM_182643.3 (MANE Select); coding-DNA position 4124, C replaced by T.
Protein change: p.Pro1375Leu; replaces proline 1375 with leucine.
Molecular consequence: missense variant. On other transcripts: intron variant (1).
Genome position (GRCh38, 1-based): chr8:13,088,655, G>A on the plus strand (C>T on the coding strand, the complement: DLC1 is on the minus strand). VCF-style: chr8-13088655-G-A. GRCh37 (hg19) VCF-style: chr8-12946164-G-A.
Other names: c.2591C>T, p.Pro864Leu (NM_001164271.2, NM_001348082.2, NM_001348083.1 and 6 more transcripts); c.2915C>T, p.Pro972Leu (NM_001316668.2); c.4124C>T, p.Pro1375Leu (NM_001348081.2, NM_001413124.1); c.2696C>T, p.Pro899Leu (NM_001413129.1); c.2906C>T, p.Pro969Leu (NM_001413130.1); c.2564C>T, p.Pro855Leu (NM_001413131.1, NM_001413137.1); c.3050C>T, p.Pro1017Leu (NM_001413132.1); c.2813C>T, p.Pro938Leu (NM_001413135.1, NM_006094.5); and 3 more; short protein forms P1017L, P1375L, P855L, P864L, P865L, P899L, P938L, P969L.
Identifiers: ClinVar variation 2633767 (VCV002633767.2), dbSNP rs776594367, ClinGen allele CA4638015.